The following is an entry in ClinVar:

NM_001242896.3(DEPDC5):c.363+2T>G

Gene: DEPDC5 (DEP domain containing 5, GATOR1 subcomplex subunit; plus strand). Cytogenetic location: 22q12.2.
Variant type: single nucleotide variant.
Coding change: c.363+2T>G on transcript NM_001242896.3 (MANE Select); the canonical splice donor site of the intron after coding-DNA position 363, T replaced by G.
Molecular consequence: splice donor variant. On other transcripts: intron variant (2).
Genome position (GRCh38, 1-based): chr22:31,766,670, T>G. VCF-style: chr22-31766670-T-G. GRCh37 (hg19) VCF-style: chr22-32162656-T-G.
Other names: c.363+2T>G (NM_001364320.2, NM_001364319.2, NM_001007188.4 and 7 more transcripts); c.279+1610T>G (NM_001369901.1, NM_001369902.1).
Identifiers: ClinVar variation 3725364 (VCV003725364.2).

ClinVar aggregate classification (germline): Likely pathogenic (1 of 4 stars; one submission).

Conditions:
Familial focal epilepsy with variable foci (FPEVF). Identifiers: Orphanet 98820, MedGen C1858477, MONDO:0020310.

Submission:

Labcorp Genetics (formerly Invitae), Labcorp
Classification: Likely pathogenic for Familial focal epilepsy with variable foci. Last evaluated: 2024-11-16. Review status: criteria provided, single submitter. Criteria: Invitae Variant Classification Sherloc (09022015). Collection method: clinical testing. Allele origin: germline.
Comment: This sequence change affects a donor splice site in intron 6 of the DEPDC5 gene. It is expected to disrupt RNA splicing. Variants that disrupt the donor or acceptor splice site typically lead to a loss of protein function (PMID: 16199547), and loss-of-function variants in DEPDC5 are known to be pathogenic (PMID: 23542697, 23542701). This variant is not present in population databases (gnomAD no frequency). This variant has not been reported in the literature in individuals affected with DEPDC5-related conditions. Algorithms developed to predict the effect of sequence changes on RNA splicing suggest that this variant may disrupt the consensus splice site. In summary, the currently available evidence indicates that the variant is pathogenic, but additional data are needed to prove that conclusively. Therefore, this variant has been classified as Likely Pathogenic.

Literature cited by the submitters: PubMed 16199547; PubMed 23542697; PubMed 23542701.